The following is an entry in ClinVar:

NM_012127.3(CIZ1):c.-5-1506_-5-1505dup

Gene: CIZ1 (CDKN1A interacting zinc finger protein 1; minus strand). Cytogenetic location: 9q34.11.
Variant type: Duplication.
Coding change: c.-5-1506_-5-1505dup on transcript NM_012127.3; 1506 bases into the intron before 5 bases upstream of the start codon through 1505 bases into the intron before 5 bases upstream of the start codon, 2 bases duplicated (TT; older notation c.-5-1506_-5-1505dupTT).
Molecular consequence: intron variant.
Genome position (GRCh38, 1-based): chr9:128,192,367-128,192,368, AA duplicated on the plus strand (TT on the coding strand, the reverse complement: CIZ1 is on the minus strand); duplicating any 2 consecutive bases within chr9:128,192,367-128,192,378 gives the same sequence; the c. name uses the placement nearest the transcript's 3' end. VCF-style (leftmost placement, unchanged base first): chr9-128192366-C-CAA. GRCh37 (hg19) VCF-style: chr9-130954645-C-CAA.
Other names: c.-5-1506_-5-1505dup (NM_001131015.2).
Identifiers: ClinVar variation 4795391 (VCV004795391.1).

ClinVar aggregate classification (germline): Likely benign (1 of 4 stars; one submission).

Submission:

GeneDx
Classification: Likely benign. Last evaluated: 2019-10-05. Review status: criteria provided, single submitter. Criteria: GeneDx Variant Classification Process June 2021. Collection method: clinical testing. Allele origin: germline. Affected: yes.
Comment: See Variant Classification Assertion Criteria.